The following is an entry in ClinVar:

ClinVar aggregate classification (germline): Uncertain significance (1 of 4 stars; one submission).

Conditions:
Inborn genetic diseases. Identifiers: MedGen C0950123, MeSH D030342.

gnomAD v4.1: 1 of 1,612,464 alleles (0.000062%); highest among the groups gnomAD compares: Non-Finnish European, 0.000085%; no homozygotes.

Submission:

Ambry Genetics
Classification: Uncertain significance for Inborn genetic diseases. Last evaluated: 2025-08-04. Review status: criteria provided, single submitter. Criteria: Ambry Variant Classification Scheme 2023. Collection method: clinical testing. Allele origin: germline.
Comment: The p.A313V variant (also known as c.938C>T), located in coding exon 5 of the ETV6 gene, results from a C to T substitution at nucleotide position 938. The alanine at codon 313 is replaced by valine, an amino acid with similar properties. This amino acid position is conserved. In addition, this alteration is predicted to be tolerated by in silico analysis. Based on the available evidence, the clinical significance of this variant remains unclear.

NM_001987.5(ETV6):c.938C>T (p.Ala313Val)

Gene: ETV6 (ETS variant transcription factor 6; plus strand). Cytogenetic location: 12p13.2.
Variant type: single nucleotide variant.
Coding change: c.938C>T on transcript NM_001987.5 (MANE Select); coding-DNA position 938, C replaced by T.
Protein change: p.Ala313Val; replaces alanine 313 with valine.
Molecular consequence: missense variant.
Genome position (GRCh38, 1-based): chr12:11,869,898, C>T. VCF-style: chr12-11869898-C-T. GRCh37 (hg19) VCF-style: chr12-12022832-C-T.
Other names: c.935C>T, p.Ala312Val (NM_001413913.1); c.911C>T, p.Ala304Val (NM_001413914.1); c.674C>T, p.Ala225Val (NM_001413915.1); c.938C>T, p.Ala313Val (NM_001413916.1, NM_001413917.1); short protein forms A313V, A225V, A304V, A312V.
Identifiers: ClinVar variation 4251420 (VCV004251420.1).